The following is an entry in ClinVar:

ClinVar aggregate classification (germline): Likely benign. Review status: criteria provided, multiple submitters, no conflicts (2 of 4 stars). 3 submissions from 3 submitters: Likely benign (3). Last evaluated 2026-04-01.

Allele frequency attached by ClinVar (database versions not stated): TOPMed below 0.00001; gnomAD exomes 0.00001; ExAC 0.00002.
gnomAD v4.1: 4 of 1,608,446 alleles (0.00025%); highest among the groups gnomAD compares: Admixed American, 0.0067%; no homozygotes.

Submissions (3):

CeGaT Center for Human Genetics Tuebingen
Classification: Likely benign. Last evaluated: 2026-04-01. Review status: criteria provided, single submitter. Criteria: CeGaT Center For Human Genetics Tuebingen Variant Classification Criteria Version 2. Collection method: clinical testing. Allele origin: germline. Affected: yes. Observed: 1 variant allele.
Comment: GFAP: BP4

Women's Health and Genetics/Laboratory Corporation of America, LabCorp
Classification: Likely benign. Last evaluated: 2025-03-13. Review status: criteria provided, single submitter. Criteria: LabCorp Variant Classification Summary - May 2015. Collection method: clinical testing. Allele origin: germline.

Labcorp Genetics (formerly Invitae), Labcorp
Classification: Likely benign. Last evaluated: 2023-12-21. Review status: criteria provided, single submitter. Criteria: Invitae Variant Classification Sherloc (09022015). Collection method: clinical testing. Allele origin: germline.

NM_002055.5(GFAP):c.1182G>A (p.Leu394=)

Gene: GFAP (glial fibrillary acidic protein; minus strand). Cytogenetic location: 17q21.31.
Variant type: single nucleotide variant.
Coding change: c.1182G>A on transcript NM_002055.5 (MANE Select); coding-DNA position 1182, G replaced by A.
Protein change: p.Leu394=; no amino-acid change (leucine 394 retained).
Molecular consequence: synonymous variant.
Genome position (GRCh38, 1-based): chr17:44,908,139, C>T on the plus strand (G>A on the coding strand, the complement: GFAP is on the minus strand). VCF-style: chr17-44908139-C-T. GRCh37 (hg19) VCF-style: chr17-42985507-C-T.
Other names: c.1302G>A, p.Leu434= (NM_001363846.2).
Identifiers: ClinVar variation 3008369 (VCV003008369.6), dbSNP rs757760536, ClinGen allele CA8608630.